The following is an entry in ClinVar:

NM_001277115.2(DNAH11):c.1194+2T>C

Gene: DNAH11 (dynein axonemal heavy chain 11; plus strand). Cytogenetic location: 7p15.3.
Variant type: single nucleotide variant.
Coding change: c.1194+2T>C on transcript NM_001277115.2 (MANE Select); the canonical splice donor site of the intron after coding-DNA position 1194, T replaced by C.
Molecular consequence: splice donor variant.
Genome position (GRCh38, 1-based): chr7:21,564,399, T>C. VCF-style: chr7-21564399-T-C. GRCh37 (hg19) VCF-style: chr7-21604017-T-C.
Identifiers: ClinVar variation 2808636 (VCV002808636.3), dbSNP rs2534496753, ClinGen allele CA366934098.

ClinVar aggregate classification (germline): Likely pathogenic (1 of 4 stars; one submission).

Conditions:
Primary ciliary dyskinesia. Also called: Ciliary dyskinesia. Identifiers: Orphanet 244, MedGen C0008780, MONDO:0016575, HP:0012265.

Submission:

Labcorp Genetics (formerly Invitae), Labcorp
Classification: Likely pathogenic for Primary ciliary dyskinesia. Last evaluated: 2023-03-21. Review status: criteria provided, single submitter. Criteria: Invitae Variant Classification Sherloc (09022015). Collection method: clinical testing. Allele origin: germline.
Comment: This sequence change affects a donor splice site in intron 6 of the DNAH11 gene. It is expected to disrupt RNA splicing. Variants that disrupt the donor or acceptor splice site typically lead to a loss of protein function (PMID: 16199547), and loss-of-function variants in DNAH11 are known to be pathogenic (PMID: 18022865, 20513915, 22184204). This variant is not present in population databases (gnomAD no frequency). This variant has not been reported in the literature in individuals affected with DNAH11-related conditions. Algorithms developed to predict the effect of sequence changes on RNA splicing suggest that this variant may disrupt the consensus splice site. In summary, the currently available evidence indicates that the variant is pathogenic, but additional data are needed to prove that conclusively. Therefore, this variant has been classified as Likely Pathogenic.

Literature cited by the submitters: PubMed 16199547; PubMed 18022865; PubMed 20513915; PubMed 22184204.